The following is an entry in ClinVar:

NM_000038.6(APC):c.6181G>A (p.Glu2061Lys)

Gene: APC (APC regulator of Wnt signaling pathway; plus strand). Cytogenetic location: 5q22.2.
Variant type: single nucleotide variant.
Coding change: c.6181G>A on transcript NM_000038.6 (MANE Select); coding-DNA position 6181, G replaced by A.
Protein change: p.Glu2061Lys; replaces glutamic acid 2061 with lysine.
Molecular consequence: missense variant. On other transcripts: non-coding transcript variant (2).
Genome position (GRCh38, 1-based): chr5:112,841,775, G>A. VCF-style: chr5-112841775-G-A. GRCh37 (hg19) VCF-style: chr5-112177472-G-A.
Other names: c.6181G>A, p.Glu2061Lys (NM_001127510.3, NM_001354895.2, NM_001407450.1); c.6127G>A, p.Glu2043Lys (NM_001127511.3); c.6235G>A, p.Glu2079Lys (NM_001354896.2, NM_001407447.1, NM_001407448.1 and 1 more transcripts); c.6211G>A, p.Glu2071Lys (NM_001354897.2); c.6106G>A, p.Glu2036Lys (NM_001354898.2); c.6097G>A, p.Glu2033Lys (NM_001354899.2); c.6058G>A, p.Glu2020Lys (NM_001354900.2); c.6004G>A, p.Glu2002Lys (NM_001354901.2, NM_001407453.1); and 11 more; short protein forms E1677K, E1778K, E1901K, E1932K, E1935K, E1960K, E1970K, E1978K.
Identifiers: ClinVar variation 3230844 (VCV003230844.1), dbSNP rs762769064, ClinGen allele CA044044.

ClinVar aggregate classification (germline): Uncertain significance (1 of 4 stars; one submission).

Conditions:
Hereditary cancer-predisposing syndrome. Also called: Neoplastic Syndromes, Hereditary; Tumor predisposition; Hereditary neoplastic syndrome; Hereditary Cancer Syndrome. Identifiers: Orphanet 140162, MedGen C0027672, MeSH D009386, MONDO:0015356.

Allele frequency attached by ClinVar (database versions not stated): gnomAD exomes below 0.00001; ExAC 0.00001.
gnomAD v4.1: 1 of 1,614,042 alleles (0.000062%); highest among the groups gnomAD compares: Non-Finnish European, 0.000085%; no homozygotes.

Submission:

Ambry Genetics
Classification: Uncertain significance for Hereditary cancer-predisposing syndrome. Last evaluated: 2023-09-22. Review status: criteria provided, single submitter. Criteria: Ambry Variant Classification Scheme 2023. Collection method: clinical testing. Allele origin: germline.
Comment: The p.E2061K variant (also known as c.6181G>A), located in coding exon 15 of the APC gene, results from a G to A substitution at nucleotide position 6181. The glutamic acid at codon 2061 is replaced by lysine, an amino acid with similar properties. This amino acid position is conserved. In addition, in silico predictors for this gene do not accurately predict pathogenicity. Since supporting evidence is limited at this time, the clinical significance of this alteration remains unclear.